The following is an entry in ClinVar:

ClinVar aggregate classification (germline): Pathogenic (1 of 4 stars; one submission).

Conditions:
Sandhoff disease. Also called: GM2-GANGLIOSIDOSIS, TYPE II; HEXOSAMINIDASES A AND B DEFICIENCY; Beta-hexosaminidase-beta-subunit deficiency; GM2 gangliosidosis, type 2; Total hexosaminidase deficiency; Sandhoff-Jatzkewitz-Pilz disease. Identifiers: Orphanet 796, MedGen C0036161, MONDO:0010006, OMIM 268800.

Submission:

Labcorp Genetics (formerly Invitae), Labcorp
Classification: Pathogenic for Sandhoff disease. Last evaluated: 2025-06-08. Review status: criteria provided, single submitter. Criteria: Invitae Variant Classification Sherloc (09022015). Collection method: clinical testing. Allele origin: germline.
Comment: This sequence change creates a premature translational stop signal (p.Tyr330*) in the HEXB gene. It is expected to result in an absent or disrupted protein product. Loss-of-function variants in HEXB are known to be pathogenic (PMID: 7550345, 18758829). This variant is not present in population databases (gnomAD no frequency). This variant has not been reported in the literature in individuals affected with HEXB-related conditions. For these reasons, this variant has been classified as Pathogenic.

Literature cited by the submitters: PubMed 7550345; PubMed 18758829.

NM_000521.4(HEXB):c.989dup (p.Tyr330Ter)

Gene: HEXB (hexosaminidase subunit beta; plus strand). Cytogenetic location: 5q13.3.
Variant type: Duplication.
Coding change: c.989dup on transcript NM_000521.4 (MANE Select); coding-DNA position 989, one base duplicated (A; older notation c.989dupA).
Protein change: p.Tyr330Ter; replaces tyrosine 330 with a stop codon.
Molecular consequence: nonsense.
Genome position (GRCh38, 1-based): chr5:74,715,597, A duplicated. VCF-style (leftmost placement, unchanged base first): chr5-74715596-T-TA. GRCh37 (hg19) VCF-style: chr5-74011421-T-TA.
Other names: c.314dup, p.Tyr105Ter (NM_001292004.2); short protein forms Y330*, Y105*.
Identifiers: ClinVar variation 4720945 (VCV004720945.1).
Genomic context (GRCh38, chr5:74,715,596, plus strand): 5'-TACAGTAGACAAAACAAGTTGGACTCTTTTGGACCTATAAACCCTACTCTGAATACAACA[T>TA]ACAGCTTCCTTACTACATTTTTCAAAGAAATTAGTGAGGTGTTTCCAGATCAATTCATTC-3'